The following is an entry in ClinVar:

NM_173630.4(RTTN):c.5410G>A (p.Glu1804Lys)

Genes: RTTN (rotatin; minus strand), LOC126862785 (MED14-independent group 3 enhancer GRCh37_chr18:67714790-67715989; plus strand). Cytogenetic location: 18q22.2.
Variant type: single nucleotide variant.
Coding change: c.5410G>A on transcript NM_173630.4 (MANE Select); coding-DNA position 5410, G replaced by A.
Protein change: p.Glu1804Lys; replaces glutamic acid 1804 with lysine.
Molecular consequence: missense variant.
Genome position (GRCh38, 1-based): chr18:70,048,102, C>T on the plus strand (G>A on the coding strand, the complement: RTTN is on the minus strand). VCF-style: chr18-70048102-C-T. GRCh37 (hg19) VCF-style: chr18-67715338-C-T.
Other names: c.2674G>A, p.Glu892Lys (NM_001318520.2); c.5410G>A (NM_173630.3); short protein forms E892K, E1804K.
Identifiers: ClinVar variation 1349288 (VCV001349288.8), dbSNP rs199568901, ClinGen allele CA8994943.

ClinVar aggregate classification (germline): Uncertain significance. Review status: criteria provided, multiple submitters, no conflicts (2 of 4 stars). 2 submissions from 2 submitters: Uncertain significance (2). Last evaluated 2024-12-10.

Conditions:
Inborn genetic diseases. Identifiers: MedGen C0950123, MeSH D030342.

Allele frequency attached by ClinVar (database versions not stated): gnomAD exomes 0.00002 and 0.00004; gnomAD 0.00003 and 0.00004; ExAC 0.00006; TOPMed 0.00007; ESP Exome Variant Server 0.00008; 1000 Genomes Project 30x 0.00016; 1000 Genomes Project 0.00020.

Submissions (2):

Ambry Genetics
Classification: Uncertain significance for Inborn genetic diseases. Last evaluated: 2024-12-10. Review status: criteria provided, single submitter. Criteria: Ambry Variant Classification Scheme 2023. Collection method: clinical testing. Allele origin: germline.

Labcorp Genetics (formerly Invitae), Labcorp
Classification: Uncertain significance. Last evaluated: 2024-09-09. Review status: criteria provided, single submitter. Criteria: Invitae Variant Classification Sherloc (09022015). Collection method: clinical testing. Allele origin: germline.
Comment: This sequence change replaces glutamic acid, which is acidic and polar, with lysine, which is basic and polar, at codon 1804 of the RTTN protein (p.Glu1804Lys). This variant is present in population databases (rs199568901, gnomAD 0.05%). This variant has not been reported in the literature in individuals affected with RTTN-related conditions. ClinVar contains an entry for this variant (Variation ID: 1349288). Invitae Evidence Modeling of protein sequence and biophysical properties (such as structural, functional, and spatial information, amino acid conservation, physicochemical variation, residue mobility, and thermodynamic stability) has been performed for this missense variant. However, the output from this modeling did not meet the statistical confidence thresholds required to predict the impact of this variant on RTTN protein function. In summary, the available evidence is currently insufficient to determine the role of this variant in disease. Therefore, it has been classified as a Variant of Uncertain Significance.